The following is an entry in ClinVar:

NM_145290.4(ADGRA3):c.1324_1325insCTGTTACTGGCTTACACT (p.Arg442delinsProValThrGlyLeuHisTer)

Gene: ADGRA3 (adhesion G protein-coupled receptor A3; minus strand). Cytogenetic location: 4p15.2.
Variant type: Insertion.
Coding change: c.1324_1325insCTGTTACTGGCTTACACT on transcript NM_145290.4 (MANE Select); coding-DNA positions 1324 to 1325, CTGTTACTGGCTTACACT inserted.
Protein change: p.Arg442delinsProValThrGlyLeuHisTer.
Molecular consequence: nonsense.
Genome position: GRCh38 VCF-style: chr4-22435429-C-CAGTGTAAGCCAGTAACAG. GRCh37 (hg19) VCF-style: chr4-22437052-C-CAGTGTAAGCCAGTAACAG.
Identifiers: ClinVar variation 1345372 (VCV001345372.6), dbSNP rs2109060381, ClinGen allele CA2573137650.

ClinVar aggregate classification (germline): Uncertain significance (1 of 4 stars; one submission).

Submission:

Labcorp Genetics (formerly Invitae), Labcorp
Classification: Uncertain significance. Last evaluated: 2022-09-13. Review status: criteria provided, single submitter. Criteria: Invitae Variant Classification Sherloc (09022015). Collection method: clinical testing. Allele origin: germline.
Comment: This variant has not been reported in the literature in individuals affected with ADGRA3-related conditions. ClinVar contains an entry for this variant (Variation ID: 1345372). In summary, the available evidence is currently insufficient to determine the role of this variant in disease. Therefore, it has been classified as a Variant of Uncertain Significance. This variant is not present in population databases (gnomAD no frequency). This sequence change creates a premature translational stop signal (p.Arg442delinsProValThrGlyLeuHis*) in the ADGRA3 gene. It is expected to result in an absent or disrupted protein product. However, the current clinical and genetic evidence is not sufficient to establish whether loss-of-function variants in ADGRA3 cause disease.